The following is an entry in ClinVar:

NM_000051.4(ATM):c.5237G>A (p.Gly1746Glu)

Gene: ATM (ATM serine/threonine kinase; plus strand). Cytogenetic location: 11q22.3.
Variant type: single nucleotide variant.
Coding change: c.5237G>A on transcript NM_000051.4 (MANE Select); coding-DNA position 5237, G replaced by A.
Protein change: p.Gly1746Glu; replaces glycine 1746 with glutamic acid.
Molecular consequence: missense variant.
Genome position (GRCh38, 1-based): chr11:108,301,707, G>A. VCF-style: chr11-108301707-G-A. GRCh37 (hg19) VCF-style: chr11-108172434-G-A.
Other names: c.5237G>A, p.Gly1746Glu (NM_001351834.2); short protein forms G1746E.
Identifiers: ClinVar variation 2120074 (VCV002120074.6), dbSNP rs879254135, ClinGen allele CA382542388.

ClinVar aggregate classification (germline): Uncertain significance. Review status: criteria provided, multiple submitters, no conflicts (2 of 4 stars). 2 submissions from 2 submitters: Uncertain significance (2). Last evaluated 2023-08-30.

Conditions:
Hereditary cancer-predisposing syndrome. Also called: Tumor predisposition; Hereditary Cancer Syndrome; Neoplastic Syndromes, Hereditary; Hereditary neoplastic syndrome. Identifiers: Orphanet 140162, MedGen C0027672, MeSH D009386, MONDO:0015356.
Ataxia-telangiectasia syndrome (AT). Also called: Ataxia-telangiectasia; AT, COMPLEMENTATION GROUP C; ATAXIA-TELANGIECTASIA, COMPLEMENTATION GROUP A; ATAXIA-TELANGIECTASIA, FRESNO VARIANT; Ataxia-telangiectasia, complementation group E; LOUIS-BAR SYNDROME. Identifiers: Orphanet 100, MedGen C0004135, MONDO:0008840, OMIM 208900.

Submissions (2):

Color Diagnostics, LLC DBA Color Health
Classification: Uncertain significance for Hereditary cancer-predisposing syndrome. Last evaluated: 2023-08-30. Review status: criteria provided, single submitter. Criteria: ACMG Guidelines, 2015. Collection method: clinical testing. Allele origin: germline.
Comment: This missense variant replaces glycine with glutamic acid at codon 1746 of the ATM protein. Computational prediction suggests that this variant may have deleterious impact on protein structure and function (internally defined REVEL score threshold >= 0.7, PMID: 27666373). To our knowledge, functional studies have not been reported for this variant. This variant has not been reported in individuals affected with ATM-related disorders in the literature. This variant has not been identified in the general population by the Genome Aggregation Database (gnomAD). The available evidence is insufficient to determine the role of this variant in disease conclusively. Therefore, this variant is classified as a Variant of Uncertain Significance.

Labcorp Genetics (formerly Invitae), Labcorp
Classification: Uncertain significance for Ataxia-telangiectasia syndrome. Last evaluated: 2022-07-29. Review status: criteria provided, single submitter. Criteria: Invitae Variant Classification Sherloc (09022015). Collection method: clinical testing. Allele origin: germline.
Comment: This sequence change replaces glycine, which is neutral and non-polar, with glutamic acid, which is acidic and polar, at codon 1746 of the ATM protein (p.Gly1746Glu). This variant is not present in population databases (gnomAD no frequency). This missense change has been observed in individual(s) with clinical features of ataxia-telangiectasia (Invitae). Algorithms developed to predict the effect of missense changes on protein structure and function are either unavailable or do not agree on the potential impact of this missense change (SIFT: "Deleterious"; PolyPhen-2: "Benign"; Align-GVGD: "Class C0"). In summary, the available evidence is currently insufficient to determine the role of this variant in disease. Therefore, it has been classified as a Variant of Uncertain Significance.